The following is an entry in ClinVar:

ClinVar aggregate classification (germline): Benign. Review status: criteria provided, multiple submitters, no conflicts (2 of 4 stars). 3 submissions from 3 submitters: Benign (3). Last evaluated 2021-07-14.

Conditions:
Osteogenesis imperfecta type 13. Also called: OI, TYPE XIII; Osteogenesis imperfecta, type xiii. Identifiers: Orphanet 666, MedGen C3553887, MONDO:0013924, OMIM 614856.

Allele frequency attached by ClinVar (database versions not stated): 1000 Genomes Project 0.18970; 1000 Genomes Project 30x 0.19457; gnomAD exomes 0.22853; gnomAD 0.25247 and 0.26144; TOPMed 0.25451.
gnomAD v4.1: 362,028 of 1,570,624 alleles (23%); highest among the groups gnomAD compares: African/African-American, 36%; 45,001 homozygotes.

Submissions (3):

Genome-Nilou Lab
Classification: Benign for Osteogenesis imperfecta type 13. Last evaluated: 2021-07-14. Review status: criteria provided, single submitter. Criteria: ACMG Guidelines, 2015. Collection method: clinical testing. Allele origin: germline. Affected: no.

GeneDx
Classification: Benign. Last evaluated: 2018-06-14. Review status: criteria provided, single submitter. Criteria: GeneDx Variant Classification (06012015). Collection method: clinical testing. Allele origin: germline. Affected: yes.
Comment: This variant is considered likely benign or benign based on one or more of the following criteria: it is a conservative change, it occurs at a poorly conserved position in the protein, it is predicted to be benign by multiple in silico algorithms, and/or has population frequency not consistent with disease.

Breakthrough Genomics
Classification: Benign. Review status: criteria provided, single submitter. Criteria: ACMG Guidelines, 2015. Collection method: not provided. Allele origin: germline. Inheritance: Autosomal recessive inheritance. Affected: yes.

NM_006129.5(BMP1):c.2827-89C>T

Gene: BMP1 (bone morphogenetic protein 1; plus strand). Cytogenetic location: 8p21.3.
Variant type: single nucleotide variant.
Coding change: c.2827-89C>T on transcript NM_006129.5 (MANE Select); 89 bases into the intron before coding-DNA position 2827, C replaced by T.
Molecular consequence: intron variant.
Genome position (GRCh38, 1-based): chr8:22,211,505, C>T. VCF-style: chr8-22211505-C-T. GRCh37 (hg19) VCF-style: chr8-22069018-C-T.
Identifiers: ClinVar variation 675150 (VCV000675150.5), dbSNP rs11778448, ClinGen allele CA12832958.